The following is an entry in ClinVar:

ClinVar aggregate classification (germline): Benign/Likely benign. Review status: criteria provided, multiple submitters, no conflicts (2 of 4 stars). 2 submissions from 2 submitters: Benign (1); Likely benign (1). Last evaluated 2024-04-05.

Conditions:
Familial adenomatous polyposis 1 (FAP1). Also called: FAMILIAL ADENOMATOUS POLYPOSIS 1, ATTENUATED; POLYPOSIS, ADENOMATOUS INTESTINAL. Identifiers: MedGen C2713442, MONDO:0021056, OMIM 175100. Disease mechanism: loss of function.

gnomAD v4.1: 1 of 1,613,998 alleles (0.000062%); highest among the groups gnomAD compares: Admixed American, 0.0017%; no homozygotes.

Submissions (2):

Myriad Genetics, Inc.
Classification: Benign for Familial adenomatous polyposis 1. Last evaluated: 2024-04-05. Review status: criteria provided, single submitter. Criteria: Myriad Autosomal Dominant, Autosomal Recessive and X-Linked Classification Criteria (2023). Collection method: clinical testing. Allele origin: unknown.
Comment: This variant is considered benign. This variant is a silent/synonymous amino acid change and it is not expected to impact splicing.

Labcorp Genetics (formerly Invitae), Labcorp
Classification: Likely benign for Familial adenomatous polyposis 1. Last evaluated: 2024-03-12. Review status: criteria provided, single submitter. Criteria: Invitae Variant Classification Sherloc (09022015). Collection method: clinical testing. Allele origin: germline.

NM_000038.6(APC):c.6852T>G (p.Pro2284=)

Gene: APC (APC regulator of Wnt signaling pathway; plus strand). Cytogenetic location: 5q22.2.
Variant type: single nucleotide variant.
Coding change: c.6852T>G on transcript NM_000038.6 (MANE Select); coding-DNA position 6852, T replaced by G.
Protein change: p.Pro2284=; no amino-acid change (proline 2284 retained).
Molecular consequence: synonymous variant. On other transcripts: non-coding transcript variant (2).
Genome position (GRCh38, 1-based): chr5:112,842,446, T>G. VCF-style: chr5-112842446-T-G. GRCh37 (hg19) VCF-style: chr5-112178143-T-G.
Other names: c.6852T>G, p.Pro2284= (NM_001127510.3, NM_001354895.2, NM_001407450.1); c.6798T>G, p.Pro2266= (NM_001127511.3); c.6906T>G, p.Pro2302= (NM_001354896.2, NM_001407447.1, NM_001407448.1 and 1 more transcripts); c.6882T>G, p.Pro2294= (NM_001354897.2); c.6777T>G, p.Pro2259= (NM_001354898.2); c.6768T>G, p.Pro2256= (NM_001354899.2); c.6729T>G, p.Pro2243= (NM_001354900.2); c.6675T>G, p.Pro2225= (NM_001354901.2, NM_001407453.1); and 11 more.
Identifiers: ClinVar variation 3254090 (VCV003254090.3), dbSNP rs1428908199.
Genomic context (GRCh38, chr5:112,842,446, plus strand): 5'-TCAAACAGCCACCACTTCTCCTAGAGGAGCCAAGCCATCTGTGAAATCAGAATTAAGCCC[T>G]GTTGCCAGGCAGACATCCCAAATAGGTGGGTCAAGTAAAGCACCTTCTAGATCAGGATCT-3'
Protein context (NP_000029.2, residues 2274-2294): AKPSVKSELS[Pro2284=]VARQTSQIGG